The following is an entry in ClinVar:

ClinVar aggregate classification (germline): Conflicting classifications of pathogenicity. Review status: criteria provided, conflicting classifications (1 of 4 stars). 3 submissions from 3 submitters: Likely pathogenic (2); Uncertain significance (1). Last evaluated 2026-01-06.

Conditions:
Hereditary cancer-predisposing syndrome. Also called: Tumor predisposition; Hereditary Cancer Syndrome; Hereditary neoplastic syndrome; Neoplastic Syndromes, Hereditary. Identifiers: Orphanet 140162, MedGen C0027672, MeSH D009386, MONDO:0015356.

Submissions (3):

Ambry Genetics
Classification: Likely pathogenic for Hereditary cancer-predisposing syndrome. Last evaluated: 2026-01-06. Review status: criteria provided, single submitter. Criteria: Ambry Variant Classification Scheme 2023. Collection method: clinical testing. Allele origin: germline.
Comment: The c.-6-2A>C intronic variant results from an A to C substitution two nucleotides upstream from the first translated codon. This nucleotide position is well conserved in available vertebrate species. In silico splice site analysis predicts that this alteration will weaken the native splice acceptor site and may result in the creation or strengthening of a novel splice acceptor site.; however, direct evidence is insufficient at this time (Ambry internal data). Alterations that disrupt the canonical splice site are expected to cause aberrant splicing. This variant is predicted to impact splicing of the first coding exon, including the initiation codon, resulting in either loss of translation initiation, N-terminal truncation, or cause a shift in the mRNA reading frame. As such, this alteration is classified as likely pathogenic.

Center for Genomic Medicine, Rigshospitalet, Copenhagen University Hospital
Classification: Uncertain significance. Last evaluated: 2025-12-29. Review status: criteria provided, single submitter. Criteria: ACMG Guidelines, 2015. Collection method: clinical testing. Allele origin: germline.

GeneDx
Classification: Likely pathogenic. Last evaluated: 2025-05-07. Review status: criteria provided, single submitter. Criteria: GeneDx Variant Classification Process June 2021. Collection method: clinical testing. Allele origin: germline. Affected: yes.
Comment: Canonical splice site variant predicted to result in a null allele in a gene for which loss of function is a known mechanism of disease; Not observed at significant frequency in large population cohorts (gnomAD); Observed in individuals referred for genetic testing at GeneDx with personal or family history consistent with pathogenic variants in this gene (PMID: 32805687); This variant is associated with the following publications: (PMID: 29522266, 32805687)

NM_007194.4(CHEK2):c.-6-2A>C

Gene: CHEK2 (checkpoint kinase 2; minus strand). Cytogenetic location: 22q12.1.
Variant type: single nucleotide variant.
Coding change: c.-6-2A>C on transcript NM_007194.4 (MANE Select); the canonical splice acceptor site of the intron before 6 bases upstream of the start codon, A replaced by C.
Molecular consequence: splice acceptor variant. On other transcripts: intron variant (1).
Genome position (GRCh38, 1-based): chr22:28,734,729, T>G on the plus strand (A>C on the coding strand, the complement: CHEK2 is on the minus strand). VCF-style: chr22-28734729-T-G. GRCh37 (hg19) VCF-style: chr22-29130717-T-G.
Other names: c.-345+7040A>C (NM_001437942.1); c.-6-2A>C (NM_001349956.3, NM_145862.3, NM_001438295.1 and 4 more transcripts); c.-783-2A>C (NM_001257387.3).
Identifiers: ClinVar variation 1704162 (VCV001704162.6), dbSNP rs1555932985, ClinGen allele CA411092240.
Genomic context (GRCh38, chr22:28,734,729, plus strand): 5'-CAGGCACTGCTGCCATGAGACTGCTGAGCCTCAACATCCGACTCCCGAGACATCACGACC[T>G]CAAAAAGAAAGTGTCCAACAACAAAGGTGAGTTTCAAGGCACAAGACTTAAAATTAAAAA-3'